The following is an entry in ClinVar:

ClinVar aggregate classification (germline): Uncertain significance (1 of 4 stars; one submission).

Allele frequency attached by ClinVar (database versions not stated): TOPMed below 0.00001.

Submission:

GeneDx
Classification: Uncertain significance. Last evaluated: 2021-07-22. Review status: criteria provided, single submitter. Criteria: GeneDx Variant Classification Process June 2021. Collection method: clinical testing. Allele origin: germline. Affected: yes.
Comment: Not observed at significant frequency in large population cohorts (gnomAD); In silico analysis supports that this missense variant does not alter protein structure/function; Has not been previously published as pathogenic or benign to our knowledge

NM_001162501.2(TNRC6B):c.4027C>T (p.Pro1343Ser)

Gene: TNRC6B (trinucleotide repeat containing adaptor 6B; plus strand). Cytogenetic location: 22q13.1.
Variant type: single nucleotide variant.
Coding change: c.4027C>T on transcript NM_001162501.2 (MANE Select); coding-DNA position 4027, C replaced by T.
Protein change: p.Pro1343Ser; replaces proline 1343 with serine.
Molecular consequence: missense variant.
Genome position (GRCh38, 1-based): chr22:40,301,240, C>T. VCF-style: chr22-40301240-C-T. GRCh37 (hg19) VCF-style: chr22-40697244-C-T.
Other names: c.1615C>T, p.Pro539Ser (NM_001024843.2); c.3697C>T, p.Pro1233Ser (NM_015088.3); short protein forms P1233S, P1343S, P539S.
Identifiers: ClinVar variation 1338922 (VCV001338922.2), dbSNP rs2071019133, ClinGen allele CA411663151.